The following is an entry in ClinVar:

NM_001034116.2(EIF2B4):c.1339G>A (p.Val447Met)

Genes: EIF2B4 (eukaryotic translation initiation factor 2B subunit delta; minus strand), GTF3C2-AS2 (GTF3C2 antisense RNA 2; plus strand). Cytogenetic location: 2p23.3.
Variant type: single nucleotide variant.
Coding change: c.1339G>A on transcript NM_001034116.2 (MANE Select); coding-DNA position 1339, G replaced by A.
Protein change: p.Val447Met; replaces valine 447 with methionine.
Molecular consequence: missense variant.
Genome position (GRCh38, 1-based): chr2:27,364,751, C>T on the plus strand (G>A on the coding strand, the complement: EIF2B4 is on the minus strand). VCF-style: chr2-27364751-C-T. GRCh37 (hg19) VCF-style: chr2-27587618-C-T.
Other names: c.1402G>A, p.Val468Met (NM_001318965.2); c.1294G>A, p.Val432Met (NM_001318966.2); c.1246G>A, p.Val416Met (NM_001318967.2); c.754G>A, p.Val252Met (NM_001318968.2); c.721G>A, p.Val241Met (NM_001318969.2); c.1336G>A, p.Val446Met (NM_015636.4); c.1399G>A, p.Val467Met (NM_172195.4); short protein forms V241M, V432M, V468M, V252M, V447M, V416M, V446M, V467M.
Identifiers: ClinVar variation 1421804 (VCV001421804.5), dbSNP rs746154598, ClinGen allele CA1576600.
Genomic context (GRCh38, chr2:27,364,751, plus strand): 5'-CTGGAGGCTTCTCTTTTGCCTCCTTACCTAGCTCATTAGAGACAAAGGCATCAGTCTGCA[C>T]ACGCTCACAGAACTTGTATGTTTCACAGCAAACCAGCACTGGTACATTATGGGCTCGAGC-3'
Protein context (NP_001029288.1, residues 437-457): CCETYKFCER[Val447Met]QTDAFVSNEL

ClinVar aggregate classification (germline): Uncertain significance (1 of 4 stars; one submission).

Allele frequency attached by ClinVar (database versions not stated): TOPMed below 0.00001; ExAC 0.00002; gnomAD exomes 0.00002 and 0.00003.
gnomAD v4.1: 37 of 1,614,208 alleles (0.0023%); highest among the groups gnomAD compares: Non-Finnish European, 0.0031%; no homozygotes.

Submission:

Labcorp Genetics (formerly Invitae), Labcorp
Classification: Uncertain significance. Last evaluated: 2021-09-24. Review status: criteria provided, single submitter. Criteria: Invitae Variant Classification Sherloc (09022015). Collection method: clinical testing. Allele origin: germline.
Comment: This sequence change replaces valine with methionine at codon 446 of the EIF2B4 protein (p.Val446Met). The valine residue is highly conserved and there is a small physicochemical difference between valine and methionine. The frequency data for this variant in the population databases is considered unreliable, as metrics indicate poor data quality at this position in the ExAC database. This variant has not been reported in the literature in individuals with EIF2B4-related conditions. Algorithms developed to predict the effect of missense changes on protein structure and function are either unavailable or do not agree on the potential impact of this missense change (SIFT: "Tolerated"; PolyPhen-2: "Probably Damaging"; Align-GVGD: "Class C0"). In summary, the available evidence is currently insufficient to determine the role of this variant in disease. Therefore, it has been classified as a Variant of Uncertain Significance.